The following is an entry in ClinVar:

ClinVar aggregate classification (germline): Uncertain significance (1 of 4 stars; one submission).

Conditions:
Cardiovascular phenotype. Identifiers: MedGen CN230736.

Submission:

Ambry Genetics
Classification: Uncertain significance for Cardiovascular phenotype. Last evaluated: 2024-09-08. Review status: criteria provided, single submitter. Criteria: Ambry Variant Classification Scheme 2023. Collection method: clinical testing. Allele origin: germline.
Comment: The p.T2N variant (also known as c.5C>A), located in coding exon 1 of the DOLK gene, results from a C to A substitution at nucleotide position 5. The threonine at codon 2 is replaced by asparagine, an amino acid with similar properties. This amino acid position is conserved. In addition, this alteration is predicted to be tolerated by in silico analysis. Based on the available evidence, the clinical significance of this variant remains unclear.

NM_014908.4(DOLK):c.5C>A (p.Thr2Asn)

Gene: DOLK (dolichol kinase; minus strand). Cytogenetic location: 9q34.11.
Variant type: single nucleotide variant.
Coding change: c.5C>A on transcript NM_014908.4 (MANE Select); coding-DNA position 5, C replaced by A.
Protein change: p.Thr2Asn; replaces threonine 2 with asparagine.
Molecular consequence: missense variant.
Genome position (GRCh38, 1-based): chr9:128,947,299, G>T on the plus strand (C>A on the coding strand, the complement: DOLK is on the minus strand). VCF-style: chr9-128947299-G-T. GRCh37 (hg19) VCF-style: chr9-131709578-G-T.
Other names: short protein forms T2N.
Identifiers: ClinVar variation 3504689 (VCV003504689.1).